The following is an entry in ClinVar:

NM_001999.4(FBN2):c.911C>T (p.Pro304Leu)

Gene: FBN2 (fibrillin 2; minus strand). Cytogenetic location: 5q23.3.
Variant type: single nucleotide variant.
Coding change: c.911C>T on transcript NM_001999.4 (MANE Select); coding-DNA position 911, C replaced by T.
Protein change: p.Pro304Leu; replaces proline 304 with leucine.
Molecular consequence: missense variant.
Genome position (GRCh38, 1-based): chr5:128,446,522, G>A on the plus strand (C>T on the coding strand, the complement: FBN2 is on the minus strand). VCF-style: chr5-128446522-G-A. GRCh37 (hg19) VCF-style: chr5-127782215-G-A.
Other names: short protein forms P304L.
Identifiers: ClinVar variation 3630947 (VCV003630947.2).
Genomic context (GRCh38, chr5:128,446,522, plus strand): 5'-CCAAAGTAGAGAGACTCACCTTCACATTTCTGAGTAGTTTCACTCTGTTTGTGACCAGCA[G>A]GGCATCTGCATTCAAAAGAGCCCACTGTATTGATACAGTTTCCTCCTTGGCATATCCCTG-3'
Protein context (NP_001990.2, residues 294-314): NTVGSFECRC[Pro304Leu]AGHKQSETTQ

ClinVar aggregate classification (germline): Uncertain significance (1 of 4 stars; one submission).

Conditions:
Congenital contractural arachnodactyly (CCA). Also called: BEALS SYNDROME; Arthrogryposis, distal, type 9; Beals-Hecht syndrome. Identifiers: Orphanet 115, MedGen C0220668, MONDO:0007363, OMIM 121050.

Submission:

Labcorp Genetics (formerly Invitae), Labcorp
Classification: Uncertain significance for Congenital contractural arachnodactyly. Last evaluated: 2024-11-11. Review status: criteria provided, single submitter. Criteria: Invitae Variant Classification Sherloc (09022015). Collection method: clinical testing. Allele origin: germline.
Comment: This sequence change replaces proline, which is neutral and non-polar, with leucine, which is neutral and non-polar, at codon 304 of the FBN2 protein (p.Pro304Leu). This variant is not present in population databases (gnomAD no frequency). This variant has not been reported in the literature in individuals affected with FBN2-related conditions. Invitae Evidence Modeling of protein sequence and biophysical properties (such as structural, functional, and spatial information, amino acid conservation, physicochemical variation, residue mobility, and thermodynamic stability) indicates that this missense variant is not expected to disrupt FBN2 protein function with a negative predictive value of 80%. In summary, the available evidence is currently insufficient to determine the role of this variant in disease. Therefore, it has been classified as a Variant of Uncertain Significance.